The following is an entry in ClinVar:

ClinVar aggregate classification (germline): Uncertain significance (1 of 4 stars; one submission).

Conditions:
Inborn genetic diseases. Identifiers: MedGen C0950123, MeSH D030342.

Submission:

Ambry Genetics
Classification: Uncertain significance for Inborn genetic diseases. Last evaluated: 2025-11-24. Review status: criteria provided, single submitter. Criteria: Ambry Variant Classification Scheme 2023. Collection method: clinical testing. Allele origin: germline.
Comment: The p.P485L variant (also known as c.1454C>T), located in coding exon 8 of the MECOM gene, results from a C to T substitution at nucleotide position 1454. The proline at codon 485 is replaced by leucine, an amino acid with similar properties. This amino acid position is conserved. In addition, this alteration is predicted to be tolerated by in silico analysis. Based on the available evidence, the clinical significance of this variant remains unclear.

NM_004991.4(MECOM):c.1454C>T (p.Pro485Leu)

Gene: MECOM (MDS1 and EVI1 complex locus; minus strand). Cytogenetic location: 3q26.2.
Variant type: single nucleotide variant.
Coding change: c.1454C>T on transcript NM_004991.4 (MANE Select); coding-DNA position 1454, C replaced by T.
Protein change: p.Pro485Leu; replaces proline 485 with leucine.
Molecular consequence: missense variant. On other transcripts: intron variant (2).
Genome position (GRCh38, 1-based): chr3:169,116,418, G>A on the plus strand (C>T on the coding strand, the complement: MECOM is on the minus strand). VCF-style: chr3-169116418-G-A. GRCh37 (hg19) VCF-style: chr3-168834206-G-A.
Other names: c.1085C>T, p.Pro362Leu (NM_001105077.4); c.890C>T, p.Pro297Leu (NM_001105078.4, NM_001164000.2, NM_001205194.2 and 4 more transcripts); c.893C>T, p.Pro298Leu (NM_001163999.2, NM_001366467.2, NM_001366468.2 and 1 more transcripts); c.1454C>T, p.Pro485Leu (NM_001366466.2); c.1133-651C>T (NM_001366473.2); c.569-651C>T (NM_001366474.2); short protein forms P297L, P298L, P362L, P485L.
Identifiers: ClinVar variation 4624713 (VCV004624713.1).
Genomic context (GRCh38, chr3:169,116,418, plus strand): 5'-AAAGGAGGCCTGTGGTACAAGCCGGAAGGAAACAGACCAGGGAAGCTAAAAGAAAATCCA[G>A]GAGCTGTTGGAAAGGTAAGACCAGCAGGATGCCTATTGGCGCCAAAATAGTCAGCAAGGC-3'
Protein context (NP_004982.2, residues 475-495): HPAGLTFPTA[Pro485Leu]GFSFSFPGLF